The following is an entry in ClinVar:

NM_001197104.2(KMT2A):c.2942C>T (p.Pro981Leu)

Gene: KMT2A (lysine methyltransferase 2A; plus strand). Cytogenetic location: 11q23.3.
Variant type: single nucleotide variant.
Coding change: c.2942C>T on transcript NM_001197104.2 (MANE Select); coding-DNA position 2942, C replaced by T.
Protein change: p.Pro981Leu; replaces proline 981 with leucine.
Molecular consequence: missense variant.
Genome position (GRCh38, 1-based): chr11:118,474,101, C>T. VCF-style: chr11-118474101-C-T. GRCh37 (hg19) VCF-style: chr11-118344816-C-T.
Other names: c.3041C>T, p.Pro1014Leu (NM_001412597.1); c.2942C>T, p.Pro981Leu (NM_005933.4); short protein forms P1014L, P981L.
Identifiers: ClinVar variation 4800525 (VCV004800525.1).

ClinVar aggregate classification (germline): Uncertain significance (1 of 4 stars; one submission).

gnomAD v4.1: 3 of 1,614,052 alleles (0.00019%); highest among the groups gnomAD compares: African/African-American, 0.0013%; no homozygotes.

Submission:

Labcorp Genetics (formerly Invitae), Labcorp
Classification: Uncertain significance. Last evaluated: 2025-07-28. Review status: criteria provided, single submitter. Criteria: Invitae Variant Classification Sherloc (09022015). Collection method: clinical testing. Allele origin: germline.
Comment: This sequence change replaces proline, which is neutral and non-polar, with leucine, which is neutral and non-polar, at codon 981 of the KMT2A protein (p.Pro981Leu). This variant is present in population databases (rs782382171, gnomAD 0.008%). This variant has not been reported in the literature in individuals affected with KMT2A-related conditions. Invitae Evidence Modeling of protein sequence and biophysical properties (such as structural, functional, and spatial information, amino acid conservation, physicochemical variation, residue mobility, and thermodynamic stability) has been performed for this missense variant. However, the output from this modeling did not meet the statistical confidence thresholds required to predict the impact of this variant on KMT2A protein function. In summary, the available evidence is currently insufficient to determine the role of this variant in disease. Therefore, it has been classified as a Variant of Uncertain Significance.